The following is an entry in ClinVar:

NM_001204.7(BMPR2):c.1524G>A (p.Trp508Ter)

Gene: BMPR2 (bone morphogenetic protein receptor type 2; plus strand). Cytogenetic location: 2q33.2.
Variant type: single nucleotide variant.
Coding change: c.1524G>A on transcript NM_001204.7 (MANE Select); coding-DNA position 1524, G replaced by A.
Protein change: p.Trp508Ter; replaces tryptophan 508 with a stop codon.
Molecular consequence: nonsense.
Genome position (GRCh38, 1-based): chr2:202,552,826, G>A. VCF-style: chr2-202552826-G-A. GRCh37 (hg19) VCF-style: chr2-203417549-G-A.
Other names: c.1524G>A (NM_001204.6); short protein forms W508*.
Identifiers: ClinVar variation 1339409 (VCV001339409.5), dbSNP rs2106042229, ClinGen allele CA350344807.

ClinVar aggregate classification (germline): Pathogenic. Review status: criteria provided, multiple submitters, no conflicts (2 of 4 stars). 3 submissions from 3 submitters: Pathogenic (2). 1 of the submissions does not count toward it. Last evaluated 2024-10-30.

Conditions:
Pulmonary arterial hypertension. Identifiers: Orphanet 182090, MedGen C2973725, MeSH D000081029, MONDO:0015924, HP:0002092.
Idiopathic and/or familial pulmonary arterial hypertension. Identifiers: Orphanet 422, MedGen C5679820, MONDO:0008347.

Submissions (3):

ARUP Laboratories, Molecular Genetics and Genomics, ARUP Laboratories
Classification: Pathogenic. Last evaluated: 2024-10-30. Review status: criteria provided, single submitter. Criteria: ARUP Molecular Germline Variant Investigation Process 2024. Collection method: clinical testing. Allele origin: germline.
Comment: The BMPR2 c.1524G>A; p.Trp508Ter variant (rs2106042229), is reported in the literature in an individual affected with pulmonary arterial hypertension (Zhu 2019). This variant is also reported in ClinVar (Variation ID: 1339409) and is absent from the Genome Aggregation Database, indicating it is not a common polymorphism. In vivo functional analyses of p.Trp508Ter heterozygous rats demonstrate reduced BMPR2 protein expression compared to wild type (Vattulainen-Collanus 2018). This variant induces an early termination codon and is predicted to result in a truncated protein or mRNA subject to nonsense-mediated decay. Several other truncating variants nearby or downstream of p.Trp508Ter have been reported in individuals affected with pulmonary hypertension (Morisaki 2004, Pfarr 2011, Zhu 2019). Based on available information, this variant is considered to be pathogenic. References: Morisaki H et al. BMPR2 mutations found in Japanese patients with familial and sporadic primary pulmonary hypertension. Hum Mutat. 2004 Jun;23(6):632. PMID: 15146475. Pfarr N et al. Hemodynamic and clinical onset in patients with hereditary pulmonary arterial hypertension and BMPR2 mutations. Respir Res. 2011 Jul 29;12(1):99. PMID: 21801371. Vattulainen-Collanus S et al. Bone morphogenetic protein signaling is required for RAD51-mediated maintenance of genome integrity in vascular endothelial cells. Commun Biol. 2018 Sep 24;1:149. PMID: 30272025. Zhu N et al. Novel risk genes and mechanisms implicated by exome sequencing of 2572 individuals with pulmonary arterial hypertension. Genome Med. 2019 Nov 14;11(1):69. PMID: 31727138.

GeneDx
Classification: Pathogenic. Last evaluated: 2023-11-30. Review status: criteria provided, single submitter. Criteria: GeneDx Variant Classification Process June 2021. Collection method: clinical testing. Allele origin: germline. Affected: yes.
Comment: Not observed at significant frequency in large population cohorts (gnomAD); Nonsense variant predicted to result in protein truncation or nonsense mediated decay in a gene for which loss of function is a known mechanism of disease; This variant is associated with the following publications: (PMID: 31727138, 30084161, 21801371)

Wendy Chung Laboratory, Boston Children's Hospital
No classification provided. Condition: Idiopathic and/or familial pulmonary arterial hypertension. Review status: no classification provided. Collection method: literature only. Allele origin: germline. Affected: yes. Not counted in ClinVar's aggregate classification.

Literature cited by the submitters: PubMed 31727138 (cited by Wendy Chung Laboratory, Boston Children's Hospital).